The following is an entry in ClinVar:

ClinVar aggregate classification (germline): Uncertain significance. Review status: criteria provided, multiple submitters, no conflicts (2 of 4 stars). 3 submissions from 3 submitters: Uncertain significance (3). Last evaluated 2025-09-19.

Conditions:
Hereditary cancer-predisposing syndrome. Also called: Hereditary neoplastic syndrome; Neoplastic Syndromes, Hereditary; Tumor predisposition; Hereditary Cancer Syndrome. Identifiers: Orphanet 140162, MedGen C0027672, MeSH D009386, MONDO:0015356.
Microcephaly, normal intelligence and immunodeficiency (NBS). Also called: IMMUNODEFICIENCY, MICROCEPHALY, AND CHROMOSOMAL INSTABILITY; SEEMANOVA SYNDROME II; Nijmegen breakage syndrome; Microcephaly with normal intelligence immunodeficiency and lymphoreticular malignancies; Nonsyndromal microcephaly autosomal recessive with normal intelligence; Seemanova syndrome 2. Identifiers: Orphanet 647, MedGen C0398791, MONDO:0009623, OMIM 251260.

Allele frequency attached by ClinVar (database versions not stated): gnomAD exomes 0.00001.
gnomAD v4.1: 2 of 1,614,088 alleles (0.00012%); highest among the groups gnomAD compares: African/African-American, 0.0027%; no homozygotes.

Submissions (3):

Ambry Genetics
Classification: Uncertain significance for Hereditary cancer-predisposing syndrome. Last evaluated: 2025-09-19. Review status: criteria provided, single submitter. Criteria: Ambry Variant Classification Scheme 2023. Collection method: clinical testing. Allele origin: germline.
Comment: The p.F99Y variant (also known as c.296T>A), located in coding exon 3 of the NBN gene, results from a T to A substitution at nucleotide position 296. The phenylalanine at codon 99 is replaced by tyrosine, an amino acid with highly similar properties. This amino acid position is highly conserved in available vertebrate species. In addition, this alteration is predicted to be deleterious by in silico analysis. Since supporting evidence is limited at this time, the clinical significance of this alteration remains unclear.

Labcorp Genetics (formerly Invitae), Labcorp
Classification: Uncertain significance for Microcephaly, normal intelligence and immunodeficiency. Last evaluated: 2024-06-28. Review status: criteria provided, single submitter. Criteria: Invitae Variant Classification Sherloc (09022015). Collection method: clinical testing. Allele origin: germline.
Comment: This sequence change replaces phenylalanine, which is neutral and non-polar, with tyrosine, which is neutral and polar, at codon 99 of the NBN protein (p.Phe99Tyr). This variant is present in population databases (no rsID available, gnomAD 0.01%). This variant has not been reported in the literature in individuals affected with NBN-related conditions. ClinVar contains an entry for this variant (Variation ID: 481824). An algorithm developed to predict the effect of missense changes on protein structure and function (PolyPhen-2) suggests that this variant is likely to be disruptive. In summary, the available evidence is currently insufficient to determine the role of this variant in disease. Therefore, it has been classified as a Variant of Uncertain Significance.

Genome-Nilou Lab
Classification: Uncertain significance for Microcephaly, normal intelligence and immunodeficiency. Last evaluated: 2021-11-07. Review status: criteria provided, single submitter. Criteria: ACMG Guidelines, 2015. Collection method: clinical testing. Allele origin: germline. Affected: no.

NM_002485.5(NBN):c.296T>A (p.Phe99Tyr)

Gene: NBN (nibrin; minus strand). Cytogenetic location: 8q21.3.
Variant type: single nucleotide variant.
Coding change: c.296T>A on transcript NM_002485.5 (MANE Select); coding-DNA position 296, T replaced by A.
Protein change: p.Phe99Tyr; replaces phenylalanine 99 with tyrosine.
Molecular consequence: missense variant.
Genome position (GRCh38, 1-based): chr8:89,981,399, A>T on the plus strand (T>A on the coding strand, the complement: NBN is on the minus strand). VCF-style: chr8-89981399-A-T. GRCh37 (hg19) VCF-style: chr8-90993627-A-T.
Other names: c.50T>A, p.Phe17Tyr (NM_001024688.3); short protein forms F99Y, F17Y.
Identifiers: ClinVar variation 481824 (VCV000481824.17), dbSNP rs1187898389, ClinGen allele CA371662351.